The following is an entry in ClinVar:

ClinVar aggregate classification (germline): Uncertain significance (1 of 4 stars; one submission).

Submission:

Labcorp Genetics (formerly Invitae), Labcorp
Classification: Uncertain significance. Last evaluated: 2023-09-19. Review status: criteria provided, single submitter. Criteria: Invitae Variant Classification Sherloc (09022015). Collection method: clinical testing. Allele origin: germline.
Comment: In summary, the available evidence is currently insufficient to determine the role of this variant in disease. Therefore, it has been classified as a Variant of Uncertain Significance. Advanced modeling of protein sequence and biophysical properties (such as structural, functional, and spatial information, amino acid conservation, physicochemical variation, residue mobility, and thermodynamic stability) performed at Invitae indicates that this missense variant is not expected to disrupt RAI1 protein function. This variant has not been reported in the literature in individuals affected with RAI1-related conditions. This variant is not present in population databases (gnomAD no frequency). This sequence change replaces aspartic acid, which is acidic and polar, with glutamic acid, which is acidic and polar, at codon 593 of the RAI1 protein (p.Asp593Glu).

NM_030665.4(RAI1):c.1779C>A (p.Asp593Glu)

Gene: RAI1 (retinoic acid induced 1; plus strand). Cytogenetic location: 17p11.2.
Variant type: single nucleotide variant.
Coding change: c.1779C>A on transcript NM_030665.4 (MANE Select); coding-DNA position 1779, C replaced by A.
Protein change: p.Asp593Glu; replaces aspartic acid 593 with glutamic acid.
Molecular consequence: missense variant.
Genome position (GRCh38, 1-based): chr17:17,794,727, C>A. VCF-style: chr17-17794727-C-A. GRCh37 (hg19) VCF-style: chr17-17698041-C-A.
Other names: short protein forms D593E.
Identifiers: ClinVar variation 2759490 (VCV002759490.3), dbSNP rs2508577901, ClinGen allele CA398549178.